The following is an entry in ClinVar:

ClinVar aggregate classification (germline): Uncertain significance (1 of 4 stars; one submission).

Conditions:
Acyl-CoA oxidase deficiency. Also called: STRAIGHT-CHAIN ACYL-CoA OXIDASE DEFICIENCY; Peroxisomal acyl-CoA oxidase deficiency; Pseudoneonatal adrenoleukodystrophy. Identifiers: Orphanet 2971, MedGen C1849678, MONDO:0009919, OMIM 264470. Disease mechanism: loss of function.

Submission:

Labcorp Genetics (formerly Invitae), Labcorp
Classification: Uncertain significance for Acyl-CoA oxidase deficiency. Last evaluated: 2022-08-09. Review status: criteria provided, single submitter. Criteria: Invitae Variant Classification Sherloc (09022015). Collection method: clinical testing. Allele origin: germline.
Comment: In summary, the available evidence is currently insufficient to determine the role of this variant in disease. Therefore, it has been classified as a Variant of Uncertain Significance. Algorithms developed to predict the effect of missense changes on protein structure and function are either unavailable or do not agree on the potential impact of this missense change (SIFT: "Tolerated"; PolyPhen-2: "Probably Damaging"; Align-GVGD: "Class C0"). ClinVar contains an entry for this variant (Variation ID: 1408197). This variant has not been reported in the literature in individuals affected with ACOX1-related conditions. This variant is not present in population databases (gnomAD no frequency). This sequence change replaces histidine, which is basic and polar, with glutamine, which is neutral and polar, at codon 647 of the ACOX1 protein (p.His647Gln).

NM_004035.7(ACOX1):c.1941C>A (p.His647Gln)

Gene: ACOX1 (acyl-CoA oxidase 1; minus strand). Cytogenetic location: 17q25.1.
Variant type: single nucleotide variant.
Coding change: c.1941C>A on transcript NM_004035.7 (MANE Select); coding-DNA position 1941, C replaced by A.
Protein change: p.His647Gln; replaces histidine 647 with glutamine.
Molecular consequence: missense variant.
Genome position (GRCh38, 1-based): chr17:75,946,790, G>T on the plus strand (C>A on the coding strand, the complement: ACOX1 is on the minus strand). VCF-style: chr17-75946790-G-T. GRCh37 (hg19) VCF-style: chr17-73942871-G-T.
Other names: c.1827C>A, p.His609Gln (NM_001185039.2); c.1941C>A, p.His647Gln (NM_007292.6); short protein forms H609Q, H647Q.
Identifiers: ClinVar variation 1408197 (VCV001408197.6), dbSNP rs768307965, ClinGen allele CA401056484.